The following is an entry in ClinVar:

ClinVar aggregate classification (germline): Uncertain significance (1 of 4 stars; one submission).

Conditions:
Atrioventricular septal defect 4 (AVSD4). Identifiers: MedGen C3280781, MONDO:0013747, OMIM 614430.

Submission:

Labcorp Genetics (formerly Invitae), Labcorp
Classification: Uncertain significance for Atrioventricular septal defect 4. Last evaluated: 2025-01-23. Review status: criteria provided, single submitter. Criteria: Invitae Variant Classification Sherloc (09022015). Collection method: clinical testing. Allele origin: germline.
Comment: This sequence change creates a premature translational stop signal (p.Tyr374*) in the GATA4 gene. While this is not anticipated to result in nonsense mediated decay, it is expected to disrupt the last 69 amino acid(s) of the GATA4 protein. This variant is not present in population databases (gnomAD no frequency). This variant has not been reported in the literature in individuals affected with GATA4-related conditions. Experimental studies and prediction algorithms are not available or were not evaluated, and the functional significance of this variant is currently unknown. In summary, the available evidence is currently insufficient to determine the role of this variant in disease. Therefore, it has been classified as a Variant of Uncertain Significance.

NM_001308093.3(GATA4):c.1125C>A (p.Tyr375Ter)

Gene: GATA4 (GATA binding protein 4). Cytogenetic location: 8p23.1.
Variant type: single nucleotide variant.
Coding change: c.1125C>A on transcript NM_001308093.3 (MANE Select); coding-DNA position 1125, C replaced by A.
Protein change: p.Tyr375Ter; replaces tyrosine 375 with a stop codon.
Molecular consequence: nonsense.
Genome position (GRCh38, 1-based): chr8:11,757,059, C>A. VCF-style: chr8-11757059-C-A. GRCh37 (hg19) VCF-style: chr8-11614568-C-A.
Other names: c.504C>A, p.Tyr168Ter (NM_001308094.2, NM_001374273.1); c.378C>A, p.Tyr126Ter (NM_001374274.1); c.1122C>A, p.Tyr374Ter (NM_002052.5); short protein forms Y168*, Y126*, Y374*, Y375*.
Identifiers: ClinVar variation 3723386 (VCV003723386.2).